The following is an entry in ClinVar:

ClinVar aggregate classification (germline): Uncertain significance (1 of 4 stars; one submission).

Conditions:
Inborn genetic diseases. Identifiers: MedGen C0950123, MeSH D030342.

Submission:

Ambry Genetics
Classification: Uncertain significance for Inborn genetic diseases. Last evaluated: 2025-10-25. Review status: criteria provided, single submitter. Criteria: Ambry Variant Classification Scheme 2023. Collection method: clinical testing. Allele origin: germline.
Comment: The p.V174L variant (also known as c.520G>T), located in coding exon 4 of the ELANE gene, results from a G to T substitution at nucleotide position 520. The valine at codon 174 is replaced by leucine, an amino acid with highly similar properties. This amino acid position is conserved. In addition, the in silico prediction for this alteration is inconclusive. Based on the available evidence, the clinical significance of this variant remains unclear.

NM_001972.4(ELANE):c.520G>T (p.Val174Leu)

Gene: ELANE (elastase, neutrophil expressed; plus strand). Cytogenetic location: 19p13.3.
Variant type: single nucleotide variant.
Coding change: c.520G>T on transcript NM_001972.4 (MANE Select); coding-DNA position 520, G replaced by T.
Protein change: p.Val174Leu; replaces valine 174 with leucine.
Molecular consequence: missense variant.
Genome position (GRCh38, 1-based): chr19:855,717, G>T. VCF-style: chr19-855717-G-T. GRCh37 (hg19) VCF-style: chr19-855717-G-T.
Other names: short protein forms V174L.
Identifiers: ClinVar variation 4618406 (VCV004618406.1).
Genomic context (GRCh38, chr19:855,717, plus strand): 5'-ATGGGCTGGGGCCTTCTGGGCAGGAACCGTGGGATCGCCAGCGTCCTGCAGGAGCTCAAC[G>T]TGACGGTGGTGACGTCCCTCTGCCGTCGCAGCAACGTCTGCACTCTCGTGAGGGGCCGGC-3'
Protein context (NP_001963.1, residues 164-184): GIASVLQELN[Val174Leu]TVVTSLCRRS